The following is an entry in ClinVar:

NM_000179.3(MSH6):c.86G>A (p.Arg29His)

Gene: MSH6 (mutS homolog 6; plus strand). Cytogenetic location: 2p16.3.
Variant type: single nucleotide variant.
Coding change: c.86G>A on transcript NM_000179.3 (MANE Select); coding-DNA position 86, G replaced by A.
Protein change: p.Arg29His; replaces arginine 29 with histidine.
Molecular consequence: missense variant. On other transcripts: 5 prime UTR variant (7), non-coding transcript variant (5), intron variant (5).
Genome position (GRCh38, 1-based): chr2:47,783,319, G>A. VCF-style: chr2-47783319-G-A. GRCh37 (hg19) VCF-style: chr2-48010458-G-A.
Other names: c.86G>A, p.Arg29His (NM_001281492.2, NM_001406795.1, NM_001406796.1 and 9 more transcripts); c.-651G>A (NM_001281493.2, NM_001406811.1); c.-243G>A (NM_001406799.1); c.31G>A, p.Ala11Thr (NM_001406804.1); c.-843G>A (NM_001406807.1); c.-498G>A (NM_001406812.1); c.-909G>A (NM_001406814.1); c.-454G>A (NM_001406816.1); and 3 more; short protein forms A11T, R29H.
Identifiers: ClinVar variation 2812917 (VCV002812917.5), dbSNP rs1469162224, ClinGen allele CA346734809.
Genomic context (GRCh38, chr2:47,783,319, plus strand): 5'-GCTTCTTCCCCAAGTCTCCGGCGCTGAGTGATGCCAACAAGGCCTCGGCCAGGGCCTCAC[G>A]CGAAGGCGGCCGTGCCGCCGCTGCCCCCGGGGCCTCTCCTTCCCCAGGCGGGGATGCGGC-3'
Protein context (NP_000170.1, residues 19-39): DANKASARAS[Arg29His]EGGRAAAAPG

ClinVar aggregate classification (germline): Conflicting classifications of pathogenicity. Review status: criteria provided, conflicting classifications (1 of 4 stars). 3 submissions from 3 submitters: Uncertain significance (2); Likely benign (1). Last evaluated 2025-03-05.

Conditions:
Hereditary nonpolyposis colorectal neoplasms. Identifiers: MedGen C0009405, MeSH D003123.
Hereditary cancer-predisposing syndrome. Also called: Tumor predisposition; Hereditary Cancer Syndrome; Hereditary neoplastic syndrome; Neoplastic Syndromes, Hereditary. Identifiers: Orphanet 140162, MedGen C0027672, MeSH D009386, MONDO:0015356.

Allele frequency attached by ClinVar (database versions not stated): TOPMed below 0.00001.

Submissions (3):

Labcorp Genetics (formerly Invitae), Labcorp
Classification: Likely benign for Hereditary nonpolyposis colorectal neoplasms. Last evaluated: 2025-03-05. Review status: criteria provided, single submitter. Criteria: Invitae Variant Classification Sherloc (09022015). Collection method: clinical testing. Allele origin: germline.

Color Diagnostics, LLC DBA Color Health
Classification: Uncertain significance for Hereditary cancer-predisposing syndrome. Last evaluated: 2025-03-04. Review status: criteria provided, single submitter. Criteria: ACMG Guidelines, 2015. Collection method: clinical testing. Allele origin: germline.
Comment: This missense variant replaces arginine with histidine at codon 29 of the MSH6 protein. Computational prediction suggests that this variant may not impact protein structure and function. To our knowledge, functional studies have not been reported for this variant. This variant has not been reported in individuals affected with MSH6-related disorders in the literature. This variant has been identified in 1/238742 chromosomes in the general population by the Genome Aggregation Database (gnomAD). The available evidence is insufficient to determine the role of this variant in disease conclusively. Therefore, this variant is classified as a Variant of Uncertain Significance.

Ambry Genetics
Classification: Uncertain significance for Hereditary cancer-predisposing syndrome. Last evaluated: 2025-01-13. Review status: criteria provided, single submitter. Criteria: Ambry Variant Classification Scheme 2023. Collection method: clinical testing. Allele origin: germline.
Comment: The p.R29H variant (also known as c.86G>A), located in coding exon 1 of the MSH6 gene, results from a G to A substitution at nucleotide position 86. The arginine at codon 29 is replaced by histidine, an amino acid with highly similar properties. This amino acid position is conserved. In addition, this alteration is predicted to be tolerated by in silico analysis. Based on the available evidence, the clinical significance of this variant remains unclear.